The following is an entry in ClinVar:

ClinVar aggregate classification (germline): Uncertain significance (1 of 4 stars; one submission).

Conditions:
Ehlers-Danlos syndrome, type 4 (EDSVASC). Also called: Ehlers-Danlos syndrome vascular type; Ehlers Danlos syndrome, ecchymotic type; Ehlers Danlos syndrome, arterial type; Ehlers Danlos syndrome, Sack-Barabas type; Ehlers-Danlos Syndrome Type IV. Identifiers: Orphanet 286, MedGen C0268338, MONDO:0017314, OMIM 130050.

Submission:

All of Us Research Program, National Institutes of Health
Classification: Uncertain significance for Ehlers-Danlos syndrome, type 4. Last evaluated: 2024-05-14. Review status: criteria provided, single submitter. Criteria: ACMG Guidelines, 2015. Collection method: clinical testing. Allele origin: germline. Inheritance: Autosomal dominant inheritance. Observed: 1 variant allele, 1 heterozygote.
Comment: This missense variant replaces alanine with glutamic acid at codon 86 of the COL3A1 protein. Computational prediction suggests that this variant may not impact protein structure and function (internally defined REVEL score threshold <= 0.5, PMID: 27666373). To our knowledge, functional studies have not been reported for this variant. This variant has not been reported in individuals affected with COL3A1-related disorders in the literature. This variant has not been identified in the general population by the Genome Aggregation Database (gnomAD). The available evidence is insufficient to determine the role of this variant in disease conclusively. Therefore, this variant is classified as a Variant of Uncertain Significance.

This study involves interpretation of variants in research participants for the purpose of population health screening. Participant phenotype was not available at the time of variant classification. Additional details can be found in publication PMID: 35346344, PMCID: PMC8962531

NM_000090.4(COL3A1):c.257C>A (p.Ala86Glu)

Gene: COL3A1 (collagen type III alpha 1 chain; plus strand). Cytogenetic location: 2q32.2.
Variant type: single nucleotide variant.
Coding change: c.257C>A on transcript NM_000090.4 (MANE Select); coding-DNA position 257, C replaced by A.
Protein change: p.Ala86Glu; replaces alanine 86 with glutamic acid.
Molecular consequence: missense variant.
Genome position (GRCh38, 1-based): chr2:188,984,937, C>A. VCF-style: chr2-188984937-C-A. GRCh37 (hg19) VCF-style: chr2-189849663-C-A.
Other names: short protein forms A86E.
Identifiers: ClinVar variation 3386429 (VCV003386429.1).